The following is an entry in ClinVar:

NM_002184.4(IL6ST):c.232C>G (p.Gln78Glu)

Gene: IL6ST (interleukin 6 cytokine family signal transducer; minus strand). Cytogenetic location: 5q11.2.
Variant type: single nucleotide variant.
Coding change: c.232C>G on transcript NM_002184.4 (MANE Select); coding-DNA position 232, C replaced by G.
Protein change: p.Gln78Glu; replaces glutamine 78 with glutamic acid.
Molecular consequence: missense variant. On other transcripts: 5 prime UTR variant (3), non-coding transcript variant (2), intron variant (1).
Genome position (GRCh38, 1-based): chr5:55,969,688, G>C on the plus strand (C>G on the coding strand, the complement: IL6ST is on the minus strand). VCF-style: chr5-55969688-G-C. GRCh37 (hg19) VCF-style: chr5-55265516-G-C.
Other names: c.232C>G, p.Gln78Glu (NM_001190981.2, NM_001364275.2, NM_175767.3); c.-561C>G (NM_001364277.2, NM_001364279.2); c.-551C>G (NM_001364278.2); c.160+72C>G (NM_001364276.2); short protein forms Q78E.
Identifiers: ClinVar variation 2956531 (VCV002956531.4), dbSNP rs772319920, ClinGen allele CA3271744.

ClinVar aggregate classification (germline): Uncertain significance. Review status: criteria provided, multiple submitters, no conflicts (2 of 4 stars). 2 submissions from 2 submitters: Uncertain significance (2). Last evaluated 2023-03-22.

Allele frequency attached by ClinVar (database versions not stated): gnomAD exomes below 0.00001; ExAC 0.00001.
gnomAD v4.1: 3 of 1,611,638 alleles (0.00019%); highest among the groups gnomAD compares: Non-Finnish European, 0.00017%; no homozygotes.

Submissions (2):

Blueprint Genetics
Classification: Uncertain significance. Last evaluated: 2023-03-22. Review status: criteria provided, single submitter. Criteria: ACMG Guidelines, 2015. Collection method: clinical testing. Allele origin: germline.

Labcorp Genetics (formerly Invitae), Labcorp
Classification: Uncertain significance. Last evaluated: 2023-01-24. Review status: criteria provided, single submitter. Criteria: Invitae Variant Classification Sherloc (09022015). Collection method: clinical testing. Allele origin: germline.
Comment: This variant is present in population databases (rs772319920, gnomAD 0.002%). This sequence change replaces glutamine, which is neutral and polar, with glutamic acid, which is acidic and polar, at codon 78 of the IL6ST protein (p.Gln78Glu). This variant has not been reported in the literature in individuals affected with IL6ST-related conditions. In summary, the available evidence is currently insufficient to determine the role of this variant in disease. Therefore, it has been classified as a Variant of Uncertain Significance. Algorithms developed to predict the effect of missense changes on protein structure and function are either unavailable or do not agree on the potential impact of this missense change (SIFT: "Deleterious"; PolyPhen-2: "Probably Damaging"; Align-GVGD: "Class C0").